The following is an entry in ClinVar:

GRCh38/hg38 19q13.33(chr19:47834312-47840923)x1

Gene: CRX (cone-rod homeobox; plus strand). Cytogenetic location: 19q13.33.
Variant type: copy number loss.
Change: copy number 1 (one copy instead of two) of chr19:47,834,312-47,840,923 (6.6 kb, GRCh38 coordinates, 1-based), cytogenetic band 19q13.33.
Identifiers: ClinVar variation 2579249 (VCV002579249.1).

ClinVar aggregate classification (germline): Uncertain significance (1 of 4 stars; one submission).

Conditions:
Cone-rod dystrophy 2 (CORD2). Also called: CONE-ROD RETINAL DYSTROPHY; Cone-rod retinal dystrophy 2. Identifiers: Orphanet 1872, MedGen C3489532, MONDO:0007362, OMIM 120970.

Submission:

Broad Center for Mendelian Genomics, Broad Institute of MIT and Harvard
Classification: Uncertain significance for Cone-rod dystrophy 2. Last evaluated: 2023-08-24. Review status: criteria provided, single submitter. Criteria: ACMG/ClinGen CNV Guidelines, 2019. Collection method: research. Allele origin: unknown. Inheritance: Autosomal dominant inheritance. Affected: yes.
Comment: These breakpoints have been estimated by exome sequencing only and therefore may not reflect the true breakpoints. Inheritance information is unavailable. The patient phenotype is nonspecific, but is consistent with cases described in the literature and/or published databases with overlapping variants. This intragenic variant is predicted to cause a frameshift, which alters the protein’s amino acid sequence beginning at exon 2 and leads to a premature termination codon. This alteration is then predicted to lead to a truncated or absent protein. The CRX gene is suspected to be haploinsufficient but has not yet been evaluated by the ClinGen dosage sensitivity working group. Two reported probands from the literature/internal data with cone rod dystrophy have a LoF variant in CRX. The variants reported are confirmed de novo and the reported phenotypes are nonspecific (PMID: 29555955). In summary, while there is some suspicion for a pathogenic role, the clinical significance of this variant is uncertain. The ACMG/ClinGen evidence codes and points used in this curation are as follows: 1: 0 points, 2: 0 points, 3: 0 points, 4-5: 0.45 points; Total: 0.45 points; Riggs 2020 (PMID: 31690835).

Literature cited by the submitters: PubMed 29555955.